The following is an entry in ClinVar:

NM_001098.3(ACO2):c.1501A>G (p.Ile501Val)

Gene: ACO2 (aconitase 2; plus strand). Cytogenetic location: 22q13.2.
Variant type: single nucleotide variant.
Coding change: c.1501A>G on transcript NM_001098.3 (MANE Select); coding-DNA position 1501, A replaced by G.
Protein change: p.Ile501Val; replaces isoleucine 501 with valine.
Molecular consequence: missense variant.
Genome position (GRCh38, 1-based): chr22:41,524,864, A>G. VCF-style: chr22-41524864-A-G. GRCh37 (hg19) VCF-style: chr22-41920868-A-G.
Other names: short protein forms I501V.
Identifiers: ClinVar variation 1479902 (VCV001479902.8), dbSNP rs774584067, ClinGen allele CA10257687.

ClinVar aggregate classification (germline): Uncertain significance (1 of 4 stars; one submission).

Allele frequency attached by ClinVar (database versions not stated): TOPMed below 0.00001; gnomAD 0.00001; gnomAD exomes 0.00001 and 0.00002; ExAC 0.00002.
gnomAD v4.1: 9 of 1,614,106 alleles (0.00056%); highest among the groups gnomAD compares: Non-Finnish European, 0.00076%; no homozygotes.

Submission:

Labcorp Genetics (formerly Invitae), Labcorp
Classification: Uncertain significance. Last evaluated: 2022-08-23. Review status: criteria provided, single submitter. Criteria: Invitae Variant Classification Sherloc (09022015). Collection method: clinical testing. Allele origin: germline.
Comment: This variant has not been reported in the literature in individuals affected with ACO2-related conditions. This variant is present in population databases (rs774584067, gnomAD 0.004%). This sequence change replaces isoleucine, which is neutral and non-polar, with valine, which is neutral and non-polar, at codon 501 of the ACO2 protein (p.Ile501Val). In summary, the available evidence is currently insufficient to determine the role of this variant in disease. Therefore, it has been classified as a Variant of Uncertain Significance. Advanced modeling of protein sequence and biophysical properties (such as structural, functional, and spatial information, amino acid conservation, physicochemical variation, residue mobility, and thermodynamic stability) performed at Invitae indicates that this missense variant is expected to disrupt ACO2 protein function. ClinVar contains an entry for this variant (Variation ID: 1479902).